The following is an entry in ClinVar:

ClinVar aggregate classification (germline): Uncertain significance (1 of 4 stars; one submission).

Conditions:
Familial thoracic aortic aneurysm and aortic dissection (TAAD). Also called: Thoracic aortic aneurysms and dissections. Identifiers: Orphanet 91387, MedGen C4707243, MONDO:0019625.

Submission:

Ambry Genetics
Classification: Uncertain significance for Familial thoracic aortic aneurysm and aortic dissection. Last evaluated: 2025-02-06. Review status: criteria provided, single submitter. Criteria: Ambry Variant Classification Scheme 2023. Collection method: clinical testing. Allele origin: germline.
Comment: The p.E25Q variant (also known as c.73G>C), located in coding exon 1 of the PLOD1 gene, results from a G to C substitution at nucleotide position 73. The glutamic acid at codon 25 is replaced by glutamine, an amino acid with highly similar properties. This amino acid position is conserved. In addition, this alteration is predicted to be tolerated by in silico analysis. Since supporting evidence is limited at this time, the clinical significance of this alteration remains unclear.

NM_000302.4(PLOD1):c.73G>C (p.Glu25Gln)

Gene: PLOD1 (procollagen-lysine,2-oxoglutarate 5-dioxygenase 1; plus strand). Cytogenetic location: 1p36.22.
Variant type: single nucleotide variant.
Coding change: c.73G>C on transcript NM_000302.4 (MANE Select); coding-DNA position 73, G replaced by C.
Protein change: p.Glu25Gln; replaces glutamic acid 25 with glutamine.
Molecular consequence: missense variant.
Genome position (GRCh38, 1-based): chr1:11,934,852, G>C. VCF-style: chr1-11934852-G-C. GRCh37 (hg19) VCF-style: chr1-11994909-G-C.
Other names: c.73G>C, p.Glu25Gln (NM_001316320.2); short protein forms E25Q.
Identifiers: ClinVar variation 1758732 (VCV001758732.3), dbSNP rs1156552700, ClinGen allele CA338422870.
Genomic context (GRCh38, chr1:11,934,852, plus strand): 5'-CTGCTACTGGCCCTGCTGGGCTGGCTGCTGCTGGCCGAAGCGAAGGGCGACGCCAAGCCG[G>C]AGGGTGAGGGAGCGAAGGCCGGGGGCGGGAGCGCGGATCCGGGCGGGAGGGCTGGTGTCG-3'
Protein context (NP_000293.2, residues 15-35): LAEAKGDAKP[Glu25Gln]DNLLVLTVAT